The following is an entry in ClinVar:

ClinVar aggregate classification (germline): Pathogenic/Likely pathogenic. Review status: criteria provided, multiple submitters, no conflicts (2 of 4 stars). 2 submissions from 2 submitters: Pathogenic (1); Likely pathogenic (1). Last evaluated 2022-03-12.

Conditions:
Familial adenomatous polyposis 1 (FAP1). Also called: POLYPOSIS, ADENOMATOUS INTESTINAL; FAMILIAL ADENOMATOUS POLYPOSIS 1, ATTENUATED. Identifiers: MedGen C2713442, MONDO:0021056, OMIM 175100. Disease mechanism: loss of function.
Hereditary cancer-predisposing syndrome. Also called: Hereditary neoplastic syndrome; Neoplastic Syndromes, Hereditary; Tumor predisposition; Hereditary Cancer Syndrome. Identifiers: Orphanet 140162, MedGen C0027672, MeSH D009386, MONDO:0015356.

Submissions (2):

Sema4
Classification: Likely pathogenic for Hereditary cancer-predisposing syndrome. Last evaluated: 2022-03-12. Review status: criteria provided, single submitter. Criteria: Sema4 Curation Guidelines. Collection method: curation. Allele origin: germline.
Comment: To the best of our knowledge, the APC c.4009_4010dupCT (p.Q1338CfsX78) variant has not been reported in individuals with APC-related disease. This variant causes a frameshift at amino acid 1338 that results in premature termination 78 amino acids downstream. At this genomic location, this variant is not predicted to cause nonsense-mediated decay but the protein product is expected to be truncated. This variant was not observed in the large and broad cohorts of the Genome Aggregation Database (PMID: 32461654). This variant has been reported in ClinVar (Variation ID 469945). Based on the current evidence available, this variant is interpreted as likely pathogenic.

Labcorp Genetics (formerly Invitae), Labcorp
Classification: Pathogenic for Familial adenomatous polyposis 1. Last evaluated: 2017-05-10. Review status: criteria provided, single submitter. Criteria: Invitae Variant Classification Sherloc (09022015). Collection method: clinical testing. Allele origin: germline.
Comment: This sequence change inserts 2 nucleotides in exon 16 of the APC mRNA (c.4009_4010dupCT), causing a frameshift at codon 1338. This creates a premature translational stop signal in the last exon of the APC mRNA (p.Gln1338Cysfs*78). While this is not anticipated to result in nonsense mediated decay, it is expected to disrupt the last 1507 amino acids of the APC protein. For these reasons, this variant has been classified as Pathogenic. This variant removes the final portion of the C-terminus of the APC protein, including the Basic domain, the EB1 binding site, and the HDLG binding site, which mediate interactions with the cytoskeleton (PMID: 15311282, 17293347). While this variant has not been reported in the literature, different truncations downstream of this variant, p.Asp1942Glufs*27 and p.Asp1979Thrfs*64, have been observed in individuals and families affected with familial adenomatous polyposis and are considered pathogenic (PMID: 20434453, 9824584, 15108286, 11001924). While functional studies have not been performed to directly test the effect of this variant on APC protein function, these observations suggest that deletion of the C-terminal portion of the APC protein is causative of disease.

Literature cited by the submitters: PubMed 15311282 (cited by Labcorp Genetics (formerly Invitae), Labcorp); PubMed 17293347 (cited by Labcorp Genetics (formerly Invitae), Labcorp); PubMed 20434453 (cited by Labcorp Genetics (formerly Invitae), Labcorp); PubMed 9824584 (cited by Labcorp Genetics (formerly Invitae), Labcorp); PubMed 15108286 (cited by Labcorp Genetics (formerly Invitae), Labcorp); PubMed 11001924 (cited by Labcorp Genetics (formerly Invitae), Labcorp).

NM_000038.6(APC):c.4009_4010dup (p.Gln1338fs)

Gene: APC (APC regulator of Wnt signaling pathway; plus strand). Cytogenetic location: 5q22.2.
Variant type: Duplication.
Coding change: c.4009_4010dup on transcript NM_000038.6 (MANE Select); coding-DNA positions 4009 to 4010, 2 bases duplicated (CT; older notation c.4009_4010dupCT).
Protein change: p.Gln1338fs; shifts the reading frame from glutamine 1338.
Molecular consequence: frameshift variant.
Genome position (GRCh38, 1-based): chr5:112,839,603-112,839,604, CT duplicated. VCF-style (leftmost placement, unchanged base first): chr5-112839602-A-ACT. GRCh37 (hg19) VCF-style: chr5-112175299-A-ACT.
Other names: c.4009_4010dupCT (NM_000038.5); c.4009_4010dup, p.Gln1338fs (NM_001127510.3, NM_001354895.2); c.3955_3956dup, p.Gln1320fs (NM_001127511.3); c.4063_4064dup, p.Gln1356fs (NM_001354896.2); c.4039_4040dup, p.Gln1348fs (NM_001354897.2); c.3934_3935dup, p.Gln1313fs (NM_001354898.2); c.3925_3926dup, p.Gln1310fs (NM_001354899.2); c.3886_3887dup, p.Gln1297fs (NM_001354900.2); and 6 more; short protein forms Q1055fs, Q1237fs, Q1338fs, Q1178fs, Q1212fs, Q1247fs, Q1297fs, Q1310fs.
Identifiers: ClinVar variation 469945 (VCV000469945.10), dbSNP rs1554085450, ClinGen allele CA658655930.